The following is an entry in ClinVar:

NM_003038.5(SLC1A4):c.48G>A (p.Ala16=)

Gene: SLC1A4 (solute carrier family 1 member 4; plus strand). Cytogenetic location: 2p14.
Variant type: single nucleotide variant.
Coding change: c.48G>A on transcript NM_003038.5 (MANE Select); coding-DNA position 48, G replaced by A.
Protein change: p.Ala16=; no amino-acid change (alanine 16 retained).
Molecular consequence: synonymous variant. On other transcripts: intron variant (3).
Genome position (GRCh38, 1-based): chr2:64,989,691, G>A. VCF-style: chr2-64989691-G-A. GRCh37 (hg19) VCF-style: chr2-65216825-G-A.
Other names: c.-134+1071G>A (NM_001348406.2, NM_001193493.2); c.-134+1137G>A (NM_001348407.2).
Identifiers: ClinVar variation 1639160 (VCV001639160.27), dbSNP rs375265345, ClinGen allele CA1685817.
Genomic context (GRCh38, chr2:64,989,691, plus strand): 5'-GGCGTGTAGCGCCATGGAGAAGAGCAACGAGACCAACGGCTACCTTGACAGCGCTCAGGC[G>A]GGGCCTGCGGCCGGGCCCGGAGCTCCGGGGACCGCGGCGGGACGCGCACGGCGTTGCGCG-3'
Protein context (NP_003029.2, residues 6-26): ETNGYLDSAQ[Ala16=]GPAAGPGAPG

ClinVar aggregate classification (germline): Likely benign. Review status: criteria provided, multiple submitters, no conflicts (2 of 4 stars). 3 submissions from 3 submitters: Likely benign (3). Last evaluated 2025-12-15.

Allele frequency attached by ClinVar (database versions not stated): 1000 Genomes Project 30x 0.00031; gnomAD exomes 0.00031 and 0.00073; TOPMed 0.00032; ExAC 0.00034; gnomAD 0.00036; ESP Exome Variant Server 0.00075.
gnomAD v4.1: 1,029 of 1,537,870 alleles (0.067%); highest among the groups gnomAD compares: Non-Finnish European, 0.088%; 1 homozygote.

Submissions (3):

Labcorp Genetics (formerly Invitae), Labcorp
Classification: Likely benign. Last evaluated: 2025-12-15. Review status: criteria provided, single submitter. Criteria: Invitae Variant Classification Sherloc (09022015). Collection method: clinical testing. Allele origin: germline.

Blueprint Genetics
Classification: Likely benign. Last evaluated: 2024-11-08. Review status: criteria provided, single submitter. Criteria: ACMG Guidelines, 2015. Collection method: clinical testing. Allele origin: germline.

CeGaT Center for Human Genetics Tuebingen
Classification: Likely benign. Last evaluated: 2024-06-01. Review status: criteria provided, single submitter. Criteria: CeGaT Center For Human Genetics Tuebingen Variant Classification Criteria Version 2. Collection method: clinical testing. Allele origin: germline. Affected: yes. Observed: 1 variant allele.
Comment: SLC1A4: BP4, BP7